The following is an entry in ClinVar:

ClinVar aggregate classification (germline): Uncertain significance (1 of 4 stars; one submission).

Conditions:
Familial adenomatous polyposis 1 (FAP1). Also called: FAMILIAL ADENOMATOUS POLYPOSIS 1, ATTENUATED; POLYPOSIS, ADENOMATOUS INTESTINAL. Identifiers: MedGen C2713442, MONDO:0021056, OMIM 175100. Disease mechanism: loss of function.

Submission:

Labcorp Genetics (formerly Invitae), Labcorp
Classification: Uncertain significance for Familial adenomatous polyposis 1. Last evaluated: 2023-01-23. Review status: criteria provided, single submitter. Criteria: Invitae Variant Classification Sherloc (09022015). Collection method: clinical testing. Allele origin: germline.
Comment: In summary, the available evidence is currently insufficient to determine the role of this variant in disease. Therefore, it has been classified as a Variant of Uncertain Significance. Experimental studies and prediction algorithms are not available or were not evaluated, and the functional significance of this variant is currently unknown. This variant has not been reported in the literature in individuals affected with APC-related conditions. This variant is not present in population databases (gnomAD no frequency). This variant occurs in a non-coding region of the APC gene. It does not change the encoded amino acid sequence of the APC protein.

NM_001127511.3(APC):c.35dup (p.Leu13fs)

Gene: APC (APC regulator of Wnt signaling pathway; plus strand). Cytogenetic location: 5q22.2.
Variant type: Duplication.
Coding change: c.35dup on transcript NM_001127511.3; coding-DNA position 35, one base duplicated (C; older notation c.35dupC).
Protein change: p.Leu13fs; shifts the reading frame from leucine 13.
Molecular consequence: frameshift variant. On other transcripts: 5 prime UTR variant (8), non-coding transcript variant (1), intron variant (5).
Genome position (GRCh38, 1-based): chr5:112,707,752, C duplicated; the last of 4 consecutive C bases (chr5:112,707,749-112,707,752); duplicating any one gives the same sequence. VCF-style (leftmost placement, unchanged base first): chr5-112707748-G-GC. GRCh37 (hg19) VCF-style: chr5-112043445-G-GC.
Other names: c.-149dup (NM_001354895.2, NM_001407447.1, NM_001407452.1 and 3 more transcripts); c.35dup, p.Leu13fs (NM_001354897.2, NM_001354902.2, NM_001407446.1); c.-1184dup (NM_001407470.1, NM_001407472.1); c.-19+103dup (NM_001407448.1, NM_001407450.1, NM_001407457.1 and 1 more transcripts); c.-43+103dup (NM_001407453.1); short protein forms L13fs.
Identifiers: ClinVar variation 1020534 (VCV001020534.8), dbSNP rs1750604836, ClinGen allele CA1573442695.
Genomic context (GRCh38, chr5:112,707,748, plus strand): 5'-CAGTTGCCTTCTCGGGCCTCGGCGCCCCCTATGTACGCCTCCCTGGGCTCGGGTCCGGTC[G>GC]CCCCTTTGCCCGCTTCTGTACCACCCTCAGTTCTCGGGTCCTGGAGCACCGGCGGCAGCA-3'